The following is an entry in ClinVar:

ClinVar aggregate classification (germline): Benign. Review status: criteria provided, multiple submitters, no conflicts (2 of 4 stars). 10 submissions from 10 submitters: Benign (9). 1 of the submissions does not count toward it. Last evaluated 2025-03-27.

Conditions:
Autosomal dominant polycystic kidney disease. Identifiers: Orphanet 730, MedGen C0085413, MONDO:0004691.
Polycystic kidney disease, adult type (PKD1). Also called: Polycystic Kidney, Autosomal Dominant; Polycystic Kidney Disease 1, Autosomal Dominant; Polycystic kidney disease 1; Polycystic kidney disease 1, severe; POLYCYSTIC KIDNEY DISEASE 1 WITH OR WITHOUT POLYCYSTIC LIVER DISEASE; POLYCYSTIC KIDNEY DISEASE, ADULT, TYPE I. Identifiers: MedGen C3149841, MONDO:0008263, OMIM 173900.
Polycystic kidney disease. Also called: Polycystic kidney dysplasia; Kidney, Polycystic. Identifiers: MedGen C0022680, MeSH D007690, MONDO:0020642, HP:0000113.

Allele frequency attached by ClinVar (database versions not stated): ESP Exome Variant Server 0.05409; TOPMed 0.05881; gnomAD 0.06100 and 0.06306; 1000 Genomes Project 30x 0.06886; 1000 Genomes Project 0.07109; ExAC 0.07574; gnomAD exomes 0.07693 and 0.07760.
gnomAD v4.1: 122,766 of 1,612,318 alleles (7.6%); highest among the groups gnomAD compares: East Asian, 21%; 5,388 homozygotes.

Submissions (10):

Women's Health and Genetics/Laboratory Corporation of America, LabCorp
Classification: Benign. Last evaluated: 2025-03-27. Review status: criteria provided, single submitter. Criteria: LabCorp Variant Classification Summary - May 2015. Collection method: clinical testing. Allele origin: germline.

Blueprint Genetics
Classification: Benign. Last evaluated: 2024-11-27. Review status: criteria provided, single submitter. Criteria: ACMG Guidelines, 2015. Collection method: clinical testing. Allele origin: germline.

Mayo Clinic Laboratories, Mayo Clinic
Classification: Benign. Last evaluated: 2022-03-09. Review status: criteria provided, single submitter. Criteria: ACMG Guidelines, 2015. Collection method: clinical testing. Allele origin: germline. Observed: 106 variant alleles.

ARUP Laboratories, Molecular Genetics and Genomics, ARUP Laboratories
Classification: Benign for Polycystic kidney disease, adult type. Last evaluated: 2020-06-01. Review status: criteria provided, single submitter. Criteria: ARUP Molecular Germline Variant Investigation Process. Collection method: clinical testing. Allele origin: germline.

GeneDx
Classification: Benign. Last evaluated: 2019-09-26. Review status: criteria provided, single submitter. Criteria: GeneDx Variant Classification Process June 2021. Collection method: clinical testing. Allele origin: germline. Affected: yes.

Molecular Genetics of Inherited Kidney Disorders Laboratory, Garvan Institute of Medical Research
Classification: Benign for Autosomal dominant polycystic kidney disease. Last evaluated: 2019-01-01. Review status: criteria provided, single submitter. Criteria: ACMG Guidelines, 2015. Collection method: research. Allele origin: germline. Affected: yes.

Athena Diagnostics
Classification: Benign. Last evaluated: 2017-07-20. Review status: criteria provided, single submitter. Criteria: Athena Diagnostics Criteria. Collection method: clinical testing. Allele origin: germline.

Breakthrough Genomics
Classification: Benign. Review status: criteria provided, single submitter. Criteria: ACMG Guidelines, 2015. Collection method: not provided. Allele origin: germline. Inheritance: Autosomal dominant inheritance. Affected: yes.

PreventionGenetics, part of Exact Sciences
Classification: Benign. Review status: criteria provided, single submitter. Criteria: ACMG Guidelines, 2015. Collection method: clinical testing. Allele origin: germline.

Department of Pathology and Laboratory Medicine, Sinai Health System
Classification: Benign for Polycystic Kidney disease. Review status: no assertion criteria provided. Collection method: clinical testing. Allele origin: unknown. Affected: yes. Study: The Canadian Open Genetics Repository (COGR). Not counted in ClinVar's aggregate classification.
Comment: The c.4674G>A, p.Thr1558Thr variant was identified in7.57% of 9015 control alleles in the Exome Aggregation Consortium (March 14, 2016). According to ACMG guidelines for variant classification based on allele frequency, category BA1, this variant is considered benign and has not been further reviewed (Richards 2015).

NM_001009944.3(PKD1):c.4674G>A (p.Thr1558=)

Gene: PKD1 (polycystin 1, transient receptor potential channel interacting; minus strand). Cytogenetic location: 16p13.3.
Variant type: single nucleotide variant.
Coding change: c.4674G>A on transcript NM_001009944.3 (MANE Select); coding-DNA position 4674, G replaced by A.
Protein change: p.Thr1558=; no amino-acid change (threonine 1558 retained).
Molecular consequence: synonymous variant.
Genome position (GRCh38, 1-based): chr16:2,110,493, C>T on the plus strand (G>A on the coding strand, the complement: PKD1 is on the minus strand). VCF-style: chr16-2110493-C-T. GRCh37 (hg19) VCF-style: chr16-2160494-C-T.
Other names: p.Thr1558=; c.4674G>A, p.Thr1558= (NM_000296.4).
Identifiers: ClinVar variation 256969 (VCV000256969.20), dbSNP rs79884128, ClinGen allele CA7832288.